The following is an entry in ClinVar:

ClinVar aggregate classification (germline): Benign/Likely benign. Review status: criteria provided, multiple submitters, no conflicts (2 of 4 stars). 6 submissions from 6 submitters: Benign (2); Likely benign (3). 1 of the submissions does not count toward it. Last evaluated 2026-01-20.

Conditions:
PITPNM3-related disorder. Also called: PITPNM3-related condition.
Cone-rod dystrophy 5 (CORD5). Identifiers: Orphanet 1872, MedGen C1832976, MONDO:0010969, OMIM 600977.

Allele frequency attached by ClinVar (database versions not stated): 1000 Genomes Project 30x 0.00016; 1000 Genomes Project 0.00020; gnomAD 0.00061; ESP Exome Variant Server 0.00077; ExAC 0.00090; TOPMed 0.00137.
gnomAD v4.1: 1,365 of 1,614,014 alleles (0.085%); highest among the groups gnomAD compares: Middle Eastern, 0.3%; 2 homozygotes.

Submissions (6):

Labcorp Genetics (formerly Invitae), Labcorp
Classification: Benign. Last evaluated: 2026-01-20. Review status: criteria provided, single submitter. Criteria: Invitae Variant Classification Sherloc (09022015). Collection method: clinical testing. Allele origin: germline.

Blueprint Genetics
Classification: Likely benign. Last evaluated: 2024-11-27. Review status: criteria provided, single submitter. Criteria: ACMG Guidelines, 2015. Collection method: clinical testing. Allele origin: germline.

Illumina Laboratory Services, Illumina
Classification: Benign for Cone-rod dystrophy 5. Last evaluated: 2018-01-13. Review status: criteria provided, single submitter. Criteria: ICSL Variant Classification Criteria 13 December 2019. Collection method: clinical testing. Allele origin: germline.
Comment: This variant was observed in the ICSL laboratory as part of a predisposition screen in an ostensibly healthy population. It had not been previously curated by ICSL or reported in the Human Gene Mutation Database (HGMD: prior to June 1st, 2018), and was therefore a candidate for classification through an automated scoring system. Utilizing variant allele frequency, disease prevalence and penetrance estimates, and inheritance mode, an automated score was calculated to assess if this variant is too frequent to cause the disease. Based on the score and internal cut-off values, a variant classified as benign is not then subjected to further curation. The score for this variant resulted in a classification of benign for this disease.

Eurofins Ntd Llc (ga)
Classification: Likely benign. Last evaluated: 2016-08-19. Review status: criteria provided, single submitter. Criteria: EGL Classification Definitions 2015. Collection method: clinical testing. Allele origin: germline. Observed: 2 variant alleles, 2 heterozygotes.

Breakthrough Genomics
Classification: Likely benign. Review status: criteria provided, single submitter. Criteria: ACMG Guidelines, 2015. Collection method: not provided. Allele origin: germline. Inheritance: Autosomal dominant inheritance. Affected: yes.

PreventionGenetics, part of Exact Sciences
Classification: Benign for PITPNM3-related condition. Last evaluated: 2019-10-14. Review status: no assertion criteria provided. Collection method: clinical testing. Allele origin: germline. Not counted in ClinVar's aggregate classification.
Comment: This variant is classified as benign based on ACMG/AMP sequence variant interpretation guidelines (Richards et al. 2015 PMID: 25741868, with internal and published modifications).

NM_031220.4(PITPNM3):c.216C>T (p.Asp72=)

Gene: PITPNM3 (PITPNM family member 3; minus strand). Cytogenetic location: 17p13.1.
Variant type: single nucleotide variant.
Coding change: c.216C>T on transcript NM_031220.4 (MANE Select); coding-DNA position 216, C replaced by T.
Protein change: p.Asp72=; no amino-acid change (aspartic acid 72 retained).
Molecular consequence: synonymous variant. On other transcripts: intron variant (1).
Genome position (GRCh38, 1-based): chr17:6,525,366, G>A on the plus strand (C>T on the coding strand, the complement: PITPNM3 is on the minus strand). VCF-style: chr17-6525366-G-A. GRCh37 (hg19) VCF-style: chr17-6428686-G-A.
Other names: c.118+12621C>T (NM_001165966.2).
Identifiers: ClinVar variation 196560 (VCV000196560.20), dbSNP rs61755429, ClinGen allele CA243554.
Genomic context (GRCh38, chr17:6,525,366, plus strand): 5'-TGCAACACACCTATGTGCACATCCTGGTCATGAGAGAAGCAGAGTCTCACCTTGATGCTC[G>A]TCCAGTTTCCCCATGGTCTCGATCTGCTCCACGAGGTCATTGGAGTTCCACTGGCTCATC-3'
Protein context (NP_112497.2, residues 62-82): VEQIETMGKL[Asp72=]EHQGEGTAPC